The following is an entry in ClinVar:

ClinVar aggregate classification (germline): Pathogenic. Review status: criteria provided, multiple submitters, no conflicts (2 of 4 stars). 8 submissions from 8 submitters: Pathogenic (6). 2 of the submissions do not count toward it. Last evaluated 2026-01-21.

Conditions:
Amyotrophic lateral sclerosis type 21. Also called: MYOPATHY, DISTAL, 2; VOCAL CORD AND PHARYNGEAL DYSFUNCTION WITH DISTAL MYOPATHY. Identifiers: Orphanet 600, Orphanet 803, MedGen C3807521, MONDO:0011632, OMIM 606070.

Submissions (8):

Labcorp Genetics (formerly Invitae), Labcorp
Classification: Pathogenic for Amyotrophic lateral sclerosis type 21. Last evaluated: 2026-01-21. Review status: criteria provided, single submitter. Criteria: Invitae Variant Classification Sherloc (09022015). Collection method: clinical testing. Allele origin: germline.
Comment: This sequence change replaces serine, which is neutral and polar, with cysteine, which is neutral and slightly polar, at codon 85 of the MATR3 protein (p.Ser85Cys). This variant is not present in population databases (gnomAD no frequency). This missense change has been observed in individual(s) with autosomal dominant distal myopathy with variable vocal cord weakness, pharyngeal weakness and respiratory failure (PMID: 9837826, 19344878, 24686783, 25154462, 25677933, 25952333). It has also been observed to segregate with disease in related individuals. ClinVar contains an entry for this variant (Variation ID: 14002). Invitae Evidence Modeling of protein sequence and biophysical properties (such as structural, functional, and spatial information, amino acid conservation, physicochemical variation, residue mobility, and thermodynamic stability) indicates that this missense variant is expected to disrupt MATR3 protein function with a positive predictive value of 80%. Experimental studies have shown that this missense change affects MATR3 function (PMID: 24686783). For these reasons, this variant has been classified as Pathogenic.

GeneDx
Classification: Pathogenic. Last evaluated: 2025-07-09. Review status: criteria provided, single submitter. Criteria: GeneDx Variant Classification Process June 2021. Collection method: clinical testing. Allele origin: germline. Affected: yes.
Comment: In silico analysis supports that this missense variant has a deleterious effect on protein structure/function; Not observed at significant frequency in large population cohorts (gnomAD); This variant is associated with the following publications: (PMID: 34659085, 25154462, 25185957, 24686783, 25677933, 25952333, 35812165, 9837826, 40447473, 30015619, 19344878, 38320753, 29763601, 32811564, 35205163, 26528920, 29109432, 33082323)

Institute of Human Genetics, University of Leipzig Medical Center
Classification: Pathogenic for Amyotrophic lateral sclerosis type 21. Last evaluated: 2019-12-12. Review status: criteria provided, single submitter. Criteria: ACMG Guidelines, 2015. Collection method: clinical testing. Allele origin: germline. Affected: yes. Observed: 1 variant allele.

Revvity Omics, Revvity
Classification: Pathogenic for Amyotrophic lateral sclerosis type 21. Last evaluated: 2019-12-10. Review status: criteria provided, single submitter. Criteria: ACMG Guidelines, 2015. Collection method: clinical testing. Allele origin: germline.

Athena Diagnostics
Classification: Pathogenic. Last evaluated: 2017-06-20. Review status: criteria provided, single submitter. Criteria: Athena Diagnostics Criteria. Collection method: clinical testing. Allele origin: germline.

CeGaT Center for Human Genetics Tuebingen
Classification: Pathogenic. Last evaluated: 2017-01-01. Review status: criteria provided, single submitter. Criteria: CeGaT Center For Human Genetics Tuebingen Variant Classification Criteria Version 2. Collection method: clinical testing. Allele origin: germline. Affected: yes. Observed: 1 variant allele.

OMIM
Classification: Pathogenic for AMYOTROPHIC LATERAL SCLEROSIS 21. Last evaluated: 2014-11-01. Review status: no assertion criteria provided. Collection method: literature only. Allele origin: germline. Not counted in ClinVar's aggregate classification.

UniProtKB/Swiss-Prot
Classification: Likely pathogenic for Myopathy, distal, 2. Review status: no assertion criteria provided. Collection method: not provided. Allele origin: unknown. Not counted in ClinVar's aggregate classification.
ClinVar note: Converted during submission from likely pathogenic to Likely pathogenic.

Literature cited by the submitters: PubMed 9837826 (cited by Labcorp Genetics (formerly Invitae), Labcorp and OMIM); PubMed 19344878 (cited by 3 submitters); PubMed 24686783 (cited by 3 submitters); PubMed 25154462 (cited by 3 submitters); PubMed 25677933 (cited by Labcorp Genetics (formerly Invitae), Labcorp and Athena Diagnostics); PubMed 25952333 (cited by Labcorp Genetics (formerly Invitae), Labcorp and Athena Diagnostics); PubMed 26528920 (cited by Athena Diagnostics); PubMed 25185957 (cited by Athena Diagnostics); PubMed 26493020 (cited by Athena Diagnostics); PubMed 26780671 (cited by Athena Diagnostics).

NM_018834.6(MATR3):c.254C>G (p.Ser85Cys)

Gene: MATR3 (matrin 3; plus strand). Cytogenetic location: 5q31.2.
Variant type: single nucleotide variant.
Coding change: c.254C>G on transcript NM_018834.6 (MANE Select); coding-DNA position 254, C replaced by G.
Protein change: p.Ser85Cys; replaces serine 85 with cysteine.
Molecular consequence: missense variant. On other transcripts: intron variant (2).
Genome position (GRCh38, 1-based): chr5:139,307,669, C>G. VCF-style: chr5-139307669-C-G. GRCh37 (hg19) VCF-style: chr5-138643358-C-G.
Other names: c.254C>G, p.Ser85Cys (NM_001194954.2, NM_001194955.2, NM_199189.3); c.-102-7006C>G (NM_001282278.2); c.49-7006C>G (NM_001194956.2); short protein forms S85C.
Identifiers: ClinVar variation 14002 (VCV000014002.56), dbSNP rs121434591, ClinGen allele CA123688.